The following is an entry in ClinVar:

ClinVar aggregate classification (germline): Conflicting classifications of pathogenicity. Review status: criteria provided, conflicting classifications (1 of 4 stars). 3 submissions from 3 submitters: Uncertain significance (1); Likely benign (2). Last evaluated 2025-06-23.

Conditions:
Hereditary breast ovarian cancer syndrome. Also called: Hereditary breast and ovarian cancer syndrome; Hereditary breast and ovarian cancer syndrome (HBOC); BRCA1- and BRCA2-Associated Hereditary Breast and Ovarian Cancer; Hereditary breast and ovarian cancer; Breast and ovarian cancer; Hereditary breast and/or ovarian cancer syndrome. Identifiers: Orphanet 145, MedGen C0677776, MeSH D061325, MONDO:0003582. Disease mechanism: loss of function.
Hereditary cancer-predisposing syndrome. Also called: Neoplastic Syndromes, Hereditary; Hereditary neoplastic syndrome; Tumor predisposition; Hereditary Cancer Syndrome. Identifiers: Orphanet 140162, MedGen C0027672, MeSH D009386, MONDO:0015356.

Submissions (3):

Ambry Genetics
Classification: Likely benign for Hereditary cancer-predisposing syndrome. Last evaluated: 2025-06-23. Review status: criteria provided, single submitter. Criteria: Ambry Variant Classification Scheme 2023. Collection method: clinical testing. Allele origin: germline.

Labcorp Genetics (formerly Invitae), Labcorp
Classification: Likely benign for Hereditary breast ovarian cancer syndrome. Last evaluated: 2025-03-24. Review status: criteria provided, single submitter. Criteria: Invitae Variant Classification Sherloc (09022015). Collection method: clinical testing. Allele origin: germline.

Quest Diagnostics Nichols Institute San Juan Capistrano
Classification: Uncertain significance. Last evaluated: 2023-03-01. Review status: criteria provided, single submitter. Criteria: Quest Diagnostics criteria. Collection method: clinical testing. Allele origin: unknown.
Comment: This variant has not been described in online databases, and to the best of our knowledge, has not been reported in individuals with BRCA2-related conditions in the published literature. It also has not been reported in large, multi-ethnic general populations. Analysis of this variant using software algorithms for the prediction of the effect of nucleotide changes on splicing yielded predictions that this variant does not affect BRCA2 mRNA splicing . Based on the available information, we are unable to determine the clinical significance of this variant.

NM_000059.4(BRCA2):c.7692T>G (p.Thr2564=)

Gene: BRCA2 (BRCA2 DNA repair associated; plus strand). Cytogenetic location: 13q13.1.
Variant type: single nucleotide variant.
Coding change: c.7692T>G on transcript NM_000059.4 (MANE Select); coding-DNA position 7692, T replaced by G.
Protein change: p.Thr2564=; no amino-acid change (threonine 2564 retained).
Molecular consequence: synonymous variant. On other transcripts: non-coding transcript variant (1).
Genome position (GRCh38, 1-based): chr13:32,357,816, T>G. VCF-style: chr13-32357816-T-G. GRCh37 (hg19) VCF-style: chr13-32931953-T-G.
Other names: c.7596T>G, p.Thr2532= (NM_001406719.1); c.7692T>G, p.Thr2564= (NM_001406720.1); c.2760T>G, p.Thr920= (NM_001406721.1); c.1275T>G, p.Thr425= (NM_001406722.1).
Identifiers: ClinVar variation 2681838 (VCV002681838.3), dbSNP rs1131692137, ClinGen allele CA483439186.